The following is an entry in ClinVar:

ClinVar aggregate classification (germline): Likely benign (1 of 4 stars; one submission).

Allele frequency attached by ClinVar (database versions not stated): TOPMed 0.00001.
gnomAD v4.1: 7 of 1,611,398 alleles (0.00043%); highest among the groups gnomAD compares: African/African-American, 0.0053%; no homozygotes.

Submission:

GeneDx
Classification: Likely benign. Last evaluated: 2016-03-18. Review status: criteria provided, single submitter. Criteria: GeneDx Variant Classification (06012015). Collection method: clinical testing. Allele origin: germline. Affected: yes.
Comment: This variant is considered likely benign or benign based on one or more of the following criteria: it is a conservative change, it occurs at a poorly conserved position in the protein, it is predicted to be benign by multiple in silico algorithms, and/or has population frequency not consistent with disease.

NM_000535.5(PMS2):c.-33C>A

Gene: PMS2 (PMS1 homolog 2, mismatch repair system component; minus strand). Cytogenetic location: 7p22.1.
Variant type: single nucleotide variant.
Coding change: c.-33C>A on transcript NM_000535.5; 33 bases upstream of the start codon, C replaced by A.
Molecular consequence: non-coding transcript variant (on NR_136154.1).
Genome position (GRCh38, 1-based): chr7:6,009,052, G>T on the plus strand (C>A on the coding strand, the complement: PMS2 is on the minus strand). VCF-style: chr7-6009052-G-T. GRCh37 (hg19) VCF-style: chr7-6048683-G-T.
Identifiers: ClinVar variation 378380 (VCV000378380.3), dbSNP rs562800874, ClinGen allele CA16605136.